The following is an entry in ClinVar:

NM_007294.4(BRCA1):c.134+1G>T

Gene: BRCA1 (BRCA1 DNA repair associated; minus strand). Cytogenetic location: 17q21.31.
Variant type: single nucleotide variant.
Coding change: c.134+1G>T on transcript NM_007294.4 (MANE Select); the canonical splice donor site of the intron after coding-DNA position 134, G replaced by T.
Molecular consequence: splice donor variant. On other transcripts: intron variant (42).
Genome position (GRCh38, 1-based): chr17:43,115,725, C>A on the plus strand (G>T on the coding strand, the complement: BRCA1 is on the minus strand). VCF-style: chr17-43115725-C-A. GRCh37 (hg19) VCF-style: chr17-41267742-C-A.
Other names: IVS3+1G>T; c.134+1G>T (NM_001407668.1, NM_001407622.1, NM_001407602.1 and 191 more transcripts); c.-8+8292G>T (NM_001407936.1, NM_001407849.1, NM_001407845.1 and 23 more transcripts); c.-219+9546G>T (NM_001407966.1); c.-170+9546G>T (NM_001407963.1); c.-7-9192G>T (NM_001408511.1, NM_001408457.1, NM_001407692.1 and 2 more transcripts); c.-170+1G>T (NM_001407960.1, NM_001407962.1, NM_001408512.1 and 1 more transcripts); c.-8+1G>T (NM_001408505.1, NM_001407964.1, NM_001407844.1 and 47 more transcripts); and 11 more.
Identifiers: ClinVar variation 54209 (VCV000054209.12), dbSNP rs80358043, ClinGen allele CA000879.

ClinVar aggregate classification (germline): Pathogenic. Review status: criteria provided, multiple submitters, no conflicts (2 of 4 stars). 3 submissions from 3 submitters: Pathogenic (2). 1 of the submissions does not count toward it. Last evaluated 2026-06-23.

Conditions:
Hereditary cancer-predisposing syndrome. Also called: Neoplastic Syndromes, Hereditary; Hereditary neoplastic syndrome; Hereditary Cancer Syndrome; Tumor predisposition. Identifiers: Orphanet 140162, MedGen C0027672, MeSH D009386, MONDO:0015356.
Breast-ovarian cancer, familial, susceptibility to, 1 (BROVCA1). Also called: BRCA1 Hereditary Breast and Ovarian Cancer; OVARIAN CANCER, SUSCEPTIBILITY TO. Identifiers: Orphanet 145, MedGen C2676676, MONDO:0011450, OMIM 604370. Disease mechanism: loss of function.

Submissions (4):

Ambry Genetics
Classification: Pathogenic for Hereditary cancer-predisposing syndrome. Last evaluated: 2026-06-23. Review status: criteria provided, single submitter. Criteria: Ambry Variant Classification Scheme 2023. Collection method: clinical testing. Allele origin: germline.
Comment: The c.134+1G>T intronic variant results from a G to T substitution one nucleotide after coding exon 2 of the BRCA1 gene. In silico splice site analysis predicts that this alteration will weaken the native splice donor site. RNA studies have demonstrated that this variant results in abnormal splicing in the set of samples tested (Ambry internal data). The stop codon in the predicted resulting transcript occurs in the 5' end ofthe gene. As such, this variant may escape nonsense-mediated mRNAdecay and/or be prone to rescue by reinitiation (Rivas et al. Science. 2015 May 8;348(6235):666-9; Lindeboom et al. Nat Genet. 2016 Oct;48(10):1112-8; Rhee et al. Sci Rep. 2017 May 10;7(1):1653). The exact functional effect of this variant is unknown; however, the region predicted to be impacted is critical for protein function (Ambry internal data). One functional study found that this nucleotide substitution is non-functional in a high throughput genome editing haploid cell survival assay (Findlay GM et al. Nature, 2018 Oct;562:217-222). This variant is considered to be rare based on population cohorts in the Genome Aggregation Database (gnomAD). This nucleotide position is highly conserved in available vertebrate species. Based on the supporting evidence, this variant is interpreted as a disease-causing mutation.

Consortium of Investigators of Modifiers of BRCA1/2 (CIMBA), c/o University of Cambridge
Classification: Pathogenic for Breast-ovarian cancer, familial, susceptibility to, 1. Last evaluated: 2015-10-02. Review status: criteria provided, single submitter. Criteria: CIMBA Mutation Classification guidelines May 2016. Collection method: clinical testing. Allele origin: germline.

Breast Cancer Information Core (BIC) (BRCA1)
Classification: Pathogenic for Breast-ovarian cancer, familial 1. Last evaluated: 2010-09-18. Review status: no assertion criteria provided. Collection method: clinical testing. Allele origin: germline. Affected: yes. Observed: 1 variant allele. Not counted in ClinVar's aggregate classification.

Brotman Baty Institute, University of Washington
No classification provided (evidence only). Condition: Breast-ovarian cancer, familial 1. Review status: no classification provided. Collection method: in vitro. Allele origin: not applicable. Functional consequence: functionally_abnormal. Not counted in ClinVar's aggregate classification.
ClinVar note: "not provided" was previously submitted as the classification for the variant. However, the classification appeared to be based only on an observation of functional data so it was converted to no classification on 2025-07-30.

Literature cited by the submitters: PubMed 30209399 (cited by Ambry Genetics).